The following is an entry in ClinVar:

ClinVar aggregate classification (germline): Benign (1 of 4 stars; one submission).

Conditions:
CFI-related disorder. Also called: CFI-related condition; CFI-related disorders. Identifiers: MedGen CN239325.

gnomAD v4.1: 52,537 of 152,028 alleles (35%); highest among the groups gnomAD compares: Middle Eastern, 49%; 10,295 homozygotes.

Submission:

Genomenon, Inc
Classification: Benign for CFI-related disorder. Last evaluated: 2025-09-26. Review status: criteria provided, single submitter. Criteria: Genomenon Sequence Variant Interpretation Standards - Updated. Collection method: curation. Allele origin: germline. Affected: no.
Comment: CFI c.1430-1730A>G is a deeply intronic variant located in intron 11. This variant is present at high allele frequency in population databases. In conclusion, we classify CFI c.1430-1730A>G as a benign variant.

NM_000204.5(CFI):c.1430-1730A>G

Gene: CFI (complement factor I; minus strand). Cytogenetic location: 4q25.
Variant type: single nucleotide variant.
Coding change: c.1430-1730A>G on transcript NM_000204.5 (MANE Select); 1730 bases into the intron before coding-DNA position 1430, A replaced by G.
Molecular consequence: intron variant.
Genome position (GRCh38, 1-based): chr4:109,744,325, T>C on the plus strand (A>G on the coding strand, the complement: CFI is on the minus strand). VCF-style: chr4-109744325-T-C. GRCh37 (hg19) VCF-style: chr4-110665481-T-C.
Other names: c.1409-1730A>G (NM_001375282.1, NM_001375280.1, NM_001331035.2 and 1 more transcripts); c.1430-1730A>G (NM_001375281.1, NM_001375279.1, NM_001440989.1); c.1451-1730A>G (NM_001440985.1, NM_001440986.1); c.1454-1730A>G (NM_001440988.1, NM_001375278.1, NM_001318057.2); c.821-1730A>G (NM_001375284.1); c.1373-1730A>G (NM_001375283.1).
Identifiers: ClinVar variation 4280421 (VCV004280421.1).